The following is an entry in ClinVar:

NM_000301.5(PLG):c.1900A>C (p.Lys634Gln)

Gene: PLG (plasminogen; plus strand). Cytogenetic location: 6q26.
Variant type: single nucleotide variant.
Coding change: c.1900A>C on transcript NM_000301.5 (MANE Select); coding-DNA position 1900, A replaced by C.
Protein change: p.Lys634Gln; replaces lysine 634 with glutamine.
Molecular consequence: missense variant.
Genome position (GRCh38, 1-based): chr6:160,739,090, A>C. VCF-style: chr6-160739090-A-C. GRCh37 (hg19) VCF-style: chr6-161160122-A-C.
Other names: short protein forms K634Q.
Identifiers: ClinVar variation 3666687 (VCV003666687.2).

ClinVar aggregate classification (germline): Uncertain significance (1 of 4 stars; one submission).

Submission:

Labcorp Genetics (formerly Invitae), Labcorp
Classification: Uncertain significance. Last evaluated: 2025-01-19. Review status: criteria provided, single submitter. Criteria: Invitae Variant Classification Sherloc (09022015). Collection method: clinical testing. Allele origin: germline.
Comment: This sequence change replaces lysine, which is basic and polar, with glutamine, which is neutral and polar, at codon 634 of the PLG protein (p.Lys634Gln). This variant is not present in population databases (gnomAD no frequency). This variant has not been reported in the literature in individuals affected with PLG-related conditions. Invitae Evidence Modeling of protein sequence and biophysical properties (such as structural, functional, and spatial information, amino acid conservation, physicochemical variation, residue mobility, and thermodynamic stability) indicates that this missense variant is not expected to disrupt PLG protein function with a negative predictive value of 80%. In summary, the available evidence is currently insufficient to determine the role of this variant in disease. Therefore, it has been classified as a Variant of Uncertain Significance.